The following is an entry in ClinVar:

ClinVar aggregate classification (germline): Benign. Review status: criteria provided, multiple submitters, no conflicts (2 of 4 stars). 2 submissions from 2 submitters: Benign (2). Last evaluated 2018-06-19.

Allele frequency attached by ClinVar (database versions not stated): gnomAD 0.05430 and 0.05579; TOPMed 0.06053; gnomAD exomes 0.06596; 1000 Genomes Project 0.07588; 1000 Genomes Project 30x 0.07636.
gnomAD v4.1: 46,124 of 727,022 alleles (6.3%); highest among the groups gnomAD compares: Admixed American, 23%; 3,038 homozygotes.

Submissions (2):

GeneDx
Classification: Benign. Last evaluated: 2018-06-19. Review status: criteria provided, single submitter. Criteria: GeneDx Variant Classification (06012015). Collection method: clinical testing. Allele origin: germline. Affected: yes.
Comment: This variant is considered likely benign or benign based on one or more of the following criteria: it is a conservative change, it occurs at a poorly conserved position in the protein, it is predicted to be benign by multiple in silico algorithms, and/or has population frequency not consistent with disease.

Breakthrough Genomics
Classification: Benign. Review status: criteria provided, single submitter. Criteria: ACMG Guidelines, 2015. Collection method: not provided. Allele origin: germline. Inheritance: Autosomal recessive inheritance. Affected: yes.

NM_001843.4(CNTN1):c.400+151A>C

Gene: CNTN1 (contactin 1; plus strand). Cytogenetic location: 12q12.
Variant type: single nucleotide variant.
Coding change: c.400+151A>C on transcript NM_001843.4 (MANE Select); 151 bases into the intron after coding-DNA position 400, A replaced by C.
Molecular consequence: intron variant.
Genome position (GRCh38, 1-based): chr12:40,922,579, A>C. VCF-style: chr12-40922579-A-C. GRCh37 (hg19) VCF-style: chr12-41316381-A-C.
Other names: c.400+151A>C (NM_001256063.2, NM_001256064.2); c.367+151A>C (NM_175038.2).
Identifiers: ClinVar variation 680308 (VCV000680308.2), dbSNP rs2304818, ClinGen allele CA235389673.